The following is an entry in ClinVar:

NM_001365536.1(SCN9A):c.*1796C>T

Genes: SCN1A-AS1 (SCN1A and SCN9A antisense RNA 1; plus strand), SCN9A (sodium voltage-gated channel alpha subunit 9; minus strand). Cytogenetic location: 2q24.3.
Variant type: single nucleotide variant.
Coding change: c.*1796C>T on transcript NM_001365536.1 (MANE Select); 1796 bases downstream of the stop codon, C replaced by T.
Molecular consequence: 3 prime UTR variant.
Genome position (GRCh38, 1-based): chr2:166,196,876, G>A on the plus strand (C>T on the coding strand, the complement: SCN9A is on the minus strand). VCF-style: chr2-166196876-G-A. GRCh37 (hg19) VCF-style: chr2-167053386-G-A.
Other names: c.*1796C>T (NM_002977.4).
Identifiers: ClinVar variation 331925 (VCV000331925.8), dbSNP rs16851751, ClinGen allele CA10611227.

ClinVar aggregate classification (germline): Benign. Review status: criteria provided, multiple submitters, no conflicts (2 of 4 stars). 5 submissions from 3 submitters: Benign (4). 1 of the submissions does not count toward it. Last evaluated 2018-01-12.

Conditions:
Primary erythromelalgia. Also called: SCN9A Erythromelalgia (SCN9A-EM); primary erythermalgia. Identifiers: Orphanet 306577, Orphanet 90026, MedGen C0014805, MONDO:0007571, OMIM 133020.
Paroxysmal extreme pain disorder (PEXPD). Also called: PAIN, SUBMANDIBULAR, OCULAR, AND RECTAL, WITH FLUSHING; RECTAL PAIN, FAMILIAL; SCN9A Paroxysmal Extreme Pain Disorder (SCN9A-PEPD). Identifiers: Orphanet 46348, MedGen C1833661, MONDO:0008179, OMIM 167400.
Channelopathy-associated congenital insensitivity to pain, autosomal recessive. Also called: Insensitivity to pain, channelopathy-associated; ASYMBOLIA FOR PAIN; CONGENITAL ANALGESIA, AUTOSOMAL RECESSIVE. Identifiers: Orphanet 88642, Orphanet 970, MedGen C1855739, MONDO:0009459, OMIM 243000.
Propofol response. Identifiers: MedGen CN298744.

Allele frequency attached by ClinVar (database versions not stated): 1000 Genomes Project 0.08367; 1000 Genomes Project 30x 0.08823; gnomAD 0.10438 and 0.10742; TOPMed 0.10472.

Submissions (5):

Illumina Laboratory Services, Illumina
Classification: Benign for Channelopathy-associated congenital insensitivity to pain, autosomal recessive. Last evaluated: 2018-01-12. Review status: criteria provided, single submitter. Criteria: ICSL Variant Classification Criteria 13 December 2019. Collection method: clinical testing. Allele origin: germline.
Comment: This variant was observed in the ICSL laboratory as part of a predisposition screen in an ostensibly healthy population. It had not been previously curated by ICSL or reported in the Human Gene Mutation Database (HGMD: prior to June 1st, 2018), and was therefore a candidate for classification through an automated scoring system. Utilizing variant allele frequency, disease prevalence and penetrance estimates, and inheritance mode, an automated score was calculated to assess if this variant is too frequent to cause the disease. Based on the score and internal cut-off values, a variant classified as benign is not then subjected to further curation. The score for this variant resulted in a classification of benign for this disease.

Illumina Laboratory Services, Illumina
Classification: Benign for Paroxysmal extreme pain disorder. Last evaluated: 2018-01-12. Review status: criteria provided, single submitter. Criteria: ICSL Variant Classification Criteria 13 December 2019. Collection method: clinical testing. Allele origin: germline.
Comment: the same text as in the submission from Illumina Laboratory Services, Illumina above.

Illumina Laboratory Services, Illumina
Classification: Benign for Primary erythromelalgia. Last evaluated: 2018-01-12. Review status: criteria provided, single submitter. Criteria: ICSL Variant Classification Criteria 13 December 2019. Collection method: clinical testing. Allele origin: germline.
Comment: the same text as in the submission from Illumina Laboratory Services, Illumina above.

Breakthrough Genomics
Classification: Benign. Review status: criteria provided, single submitter. Criteria: ACMG Guidelines, 2015. Collection method: not provided. Allele origin: germline. Inheritance: Autosomal recessive inheritance. Affected: yes.

Pio d'adamo Lab, University Of Trieste
Classification: drug response for Propofol response. Last evaluated: 2024-10-14. Review status: no assertion criteria provided. Collection method: case-control. Allele origin: germline. Affected: yes. Not counted in ClinVar's aggregate classification.